The following is an entry in ClinVar:

ClinVar aggregate classification (germline): Uncertain significance (1 of 4 stars; one submission).

Submission:

Labcorp Genetics (formerly Invitae), Labcorp
Classification: Uncertain significance. Last evaluated: 2021-09-15. Review status: criteria provided, single submitter. Criteria: Invitae Variant Classification Sherloc (09022015). Collection method: clinical testing. Allele origin: germline.
Comment: This sequence change replaces histidine with arginine at codon 81 of the GATA5 protein (p.His81Arg). The histidine residue is weakly conserved and there is a small physicochemical difference between histidine and arginine. The frequency data for this variant in the population databases is considered unreliable, as metrics indicate insufficient coverage at this position in the ExAC database. This variant has not been reported in the literature in individuals affected with GATA5-related conditions. Algorithms developed to predict the effect of missense changes on protein structure and function (SIFT, PolyPhen-2, Align-GVGD) all suggest that this variant is likely to be tolerated. In summary, the available evidence is currently insufficient to determine the role of this variant in disease. Therefore, it has been classified as a Variant of Uncertain Significance.

NM_080473.5(GATA5):c.242A>G (p.His81Arg)

Gene: GATA5 (GATA binding protein 5; minus strand). Cytogenetic location: 20q13.33.
Variant type: single nucleotide variant.
Coding change: c.242A>G on transcript NM_080473.5 (MANE Select); coding-DNA position 242, A replaced by G.
Protein change: p.His81Arg; replaces histidine 81 with arginine.
Molecular consequence: missense variant.
Genome position (GRCh38, 1-based): chr20:62,475,280, T>C on the plus strand (A>G on the coding strand, the complement: GATA5 is on the minus strand). VCF-style: chr20-62475280-T-C. GRCh37 (hg19) VCF-style: chr20-61050336-T-C.
Other names: short protein forms H81R.
Identifiers: ClinVar variation 1416201 (VCV001416201.6), dbSNP rs1459727785, ClinGen allele CA409557233.